The following is an entry in ClinVar:

ClinVar aggregate classification (germline): Likely benign (1 of 4 stars; one submission).

Allele frequency attached by ClinVar (database versions not stated): gnomAD exomes 0.00029 and 0.00013; ExAC below 0.00001; gnomAD 0.00016 and 0.00017; TOPMed 0.00021.
gnomAD v4.1: 215 of 1,418,028 alleles (0.015%); highest among the groups gnomAD compares: Non-Finnish European, 0.0045%; no homozygotes.

Submission:

GeneDx
Classification: Likely benign. Last evaluated: 2016-12-07. Review status: criteria provided, single submitter. Criteria: GeneDx Variant Classification (06012015). Collection method: clinical testing. Allele origin: germline. Affected: yes.
Comment: This variant is considered likely benign or benign based on one or more of the following criteria: it is a conservative change, it occurs at a poorly conserved position in the protein, it is predicted to be benign by multiple in silico algorithms, and/or has population frequency not consistent with disease.

NM_001127222.2(CACNA1A):c.-27A>G

Gene: CACNA1A (calcium voltage-gated channel subunit alpha1 A; minus strand). Cytogenetic location: 19p13.13.
Variant type: single nucleotide variant.
Coding change: c.-27A>G on transcript NM_001127222.2 (MANE Select); 27 bases upstream of the start codon, A replaced by G.
Molecular consequence: 5 prime UTR variant.
Genome position (GRCh38, 1-based): chr19:13,506,251, T>C on the plus strand (A>G on the coding strand, the complement: CACNA1A is on the minus strand). VCF-style: chr19-13506251-T-C. GRCh37 (hg19) VCF-style: chr19-13617065-T-C.
Other names: c.-27A>G (NM_000068.4, NM_001127221.2, NM_001174080.2 and 1 more transcripts).
Identifiers: ClinVar variation 385688 (VCV000385688.1), dbSNP rs761508895, ClinGen allele CA9241114.